The following is an entry in ClinVar:

NM_201384.3(PLEC):c.3322C>A (p.His1108Asn)

Gene: PLEC (plectin; minus strand). Cytogenetic location: 8q24.3.
Variant type: single nucleotide variant.
Coding change: c.3322C>A on transcript NM_201384.3 (MANE Select); coding-DNA position 3322, C replaced by A.
Protein change: p.His1108Asn; replaces histidine 1108 with asparagine.
Molecular consequence: missense variant.
Genome position (GRCh38, 1-based): chr8:143,927,931, G>T on the plus strand (C>A on the coding strand, the complement: PLEC is on the minus strand). VCF-style: chr8-143927931-G-T. GRCh37 (hg19) VCF-style: chr8-145002099-G-T.
Other names: c.3403C>A, p.His1135Asn (NM_000445.5, NM_001410941.1); c.3280C>A, p.His1094Asn (NM_201378.4); c.3256C>A, p.His1086Asn (NM_201379.3); c.3733C>A, p.His1245Asn (NM_201380.4); c.3226C>A, p.His1076Asn (NM_201381.3); c.3322C>A, p.His1108Asn (NM_201382.4); c.3334C>A, p.His1112Asn (NM_201383.3); short protein forms H1076N, H1094N, H1086N, H1112N, H1108N, H1245N, H1135N.
Identifiers: ClinVar variation 2953176 (VCV002953176.3), dbSNP rs370471882, ClinGen allele CA187618186.

ClinVar aggregate classification (germline): Uncertain significance (1 of 4 stars; one submission).

Conditions:
Epidermolysis bullosa simplex with nail dystrophy (EBS5D). Identifiers: MedGen C4225309, MONDO:0014661, OMIM 616487.
Autosomal recessive limb-girdle muscular dystrophy type 2Q (LGMDR17). Also called: MUSCULAR DYSTROPHY, LIMB-GIRDLE, AUTOSOMAL RECESSIVE 17. Identifiers: Orphanet 254361, MedGen C3150989, MONDO:0013390, OMIM 613723.
Epidermolysis bullosa simplex 5C, with pyloric atresia (EBS5C). Also called: PLEC1-Related Epidermolysis Bullosa with Pyloric Atresia; PLEC-Related Epidermolysis Bullosa with Pyloric Atresia; Epidermolysis bullosa simplex with pyloric atresia. Identifiers: Orphanet 158684, MedGen C2677349, MONDO:0012807, OMIM 612138.
Epidermolysis bullosa simplex 5B, with muscular dystrophy (EBS5B). Also called: Epidermolysis bullosa simplex with muscular dystrophy; EPIDERMOLYSIS BULLOSA SIMPLEX AND LIMB-GIRDLE MUSCULAR DYSTROPHY. Identifiers: Orphanet 257, MedGen C2931072, MONDO:0009181, OMIM 226670.
Epidermolysis bullosa simplex, Ogna type (EBS5A). Also called: EPIDERMOLYSIS BULLOSA SIMPLEX 5A, OGNA TYPE; Pidermolysis bullosa simplex 5A, Ogna type. Identifiers: Orphanet 79401, MedGen C0432317, MONDO:0007555, OMIM 131950.

Allele frequency attached by ClinVar (database versions not stated): gnomAD exomes below 0.00001; ESP Exome Variant Server 0.00008.
gnomAD v4.1: 1 of 1,603,052 alleles (0.000062%); highest among the groups gnomAD compares: Non-Finnish European, 0.000085%; no homozygotes.

Submission:

Labcorp Genetics (formerly Invitae), Labcorp
Classification: Uncertain significance for Autosomal recessive limb-girdle muscular dystrophy type 2Q; Epidermolysis bullosa simplex, Ogna type; Epidermolysis bullosa simplex with nail dystrophy; Epidermolysis bullosa simplex 5C, with pyloric atresia; Epidermolysis bullosa simplex 5B, with muscular dystrophy. Last evaluated: 2023-10-22. Review status: criteria provided, single submitter. Criteria: Invitae Variant Classification Sherloc (09022015). Collection method: clinical testing. Allele origin: germline.
Comment: This sequence change replaces histidine, which is basic and polar, with asparagine, which is neutral and polar, at codon 1135 of the PLEC protein (p.His1135Asn). This variant is not present in population databases (gnomAD no frequency). This variant has not been reported in the literature in individuals affected with PLEC-related conditions. Advanced modeling of protein sequence and biophysical properties (such as structural, functional, and spatial information, amino acid conservation, physicochemical variation, residue mobility, and thermodynamic stability) performed at Invitae indicates that this missense variant is not expected to disrupt PLEC protein function. In summary, the available evidence is currently insufficient to determine the role of this variant in disease. Therefore, it has been classified as a Variant of Uncertain Significance.